The following is an entry in ClinVar:

ClinVar aggregate classification (germline): Likely benign. Review status: criteria provided, multiple submitters, no conflicts (2 of 4 stars). 3 submissions from 3 submitters: Likely benign (3). Last evaluated 2025-12-24.

Conditions:
Arrhythmogenic right ventricular dysplasia 5. Also called: Arrhythmogenic Right Ventricular Dysplasia/Cardiomyopathy 5; ARRHYTHMOGENIC RIGHT VENTRICULAR DYSPLASIA, FAMILIAL, 5. Identifiers: MedGen C1858379, MONDO:0011459, OMIM 604400.
Cardiomyopathy (CMYO). Also called: Cardiomyopathies. Identifiers: Orphanet 167848, MedGen C0878544, MONDO:0004994, HP:0001638. Inheritance: Various modes of inheritance.

Allele frequency attached by ClinVar (database versions not stated): TOPMed below 0.00001; gnomAD exomes 0.00001.
gnomAD v4.1: 5 of 1,610,944 alleles (0.00031%); highest among the groups gnomAD compares: Non-Finnish European, 0.00034%; no homozygotes.

Submissions (3):

Labcorp Genetics (formerly Invitae), Labcorp
Classification: Likely benign for Arrhythmogenic right ventricular dysplasia 5. Last evaluated: 2025-12-24. Review status: criteria provided, single submitter. Criteria: Invitae Variant Classification Sherloc (09022015). Collection method: clinical testing. Allele origin: germline.

All of Us Research Program, National Institutes of Health
Classification: Likely benign for Arrhythmogenic right ventricular dysplasia 5. Last evaluated: 2023-12-13. Review status: criteria provided, single submitter. Criteria: ACMG Guidelines, 2015. Collection method: clinical testing. Allele origin: germline. Inheritance: Autosomal dominant inheritance. Observed: 1 variant allele, 1 heterozygote.
Comment: This study involves interpretation of variants in research participants for the purpose of population health screening. Participant phenotype was not available at the time of variant classification. Additional details can be found in publication PMID: 35346344, PMCID: PMC8962531

Color Diagnostics, LLC DBA Color Health
Classification: Likely benign for Cardiomyopathy. Last evaluated: 2023-11-29. Review status: criteria provided, single submitter. Criteria: ACMG Guidelines, 2015. Collection method: clinical testing. Allele origin: germline.

NM_024334.3(TMEM43):c.706-13C>T

Gene: TMEM43 (transmembrane protein 43; plus strand). Cytogenetic location: 3p25.1.
Variant type: single nucleotide variant.
Coding change: c.706-13C>T on transcript NM_024334.3 (MANE Select); 13 bases into the intron before coding-DNA position 706, C replaced by T.
Molecular consequence: intron variant.
Genome position (GRCh38, 1-based): chr3:14,135,145, C>T. VCF-style: chr3-14135145-C-T. GRCh37 (hg19) VCF-style: chr3-14176645-C-T.
Identifiers: ClinVar variation 2164626 (VCV002164626.5), dbSNP rs1035611498, ClinGen allele CA69731535.